The following is an entry in ClinVar:

NM_001111.5(ADAR):c.768C>T (p.His256=)

Gene: ADAR (adenosine deaminase RNA specific; minus strand). Cytogenetic location: 1q21.3.
Variant type: single nucleotide variant.
Coding change: c.768C>T on transcript NM_001111.5 (MANE Select); coding-DNA position 768, C replaced by T.
Protein change: p.His256=; no amino-acid change (histidine 256 retained).
Molecular consequence: synonymous variant. On other transcripts: 5 prime UTR variant (6).
Genome position (GRCh38, 1-based): chr1:154,601,874, G>A on the plus strand (C>T on the coding strand, the complement: ADAR is on the minus strand). VCF-style: chr1-154601874-G-A. GRCh37 (hg19) VCF-style: chr1-154574350-G-A.
Other names: c.-118C>T (NM_001025107.3, NM_001193495.2, NM_001365046.1 and 3 more transcripts); c.795C>T, p.His265= (NM_001365045.1); c.768C>T, p.His256= (NM_015840.4, NM_015841.4).
Identifiers: ClinVar variation 1608406 (VCV001608406.10), dbSNP rs752953697, ClinGen allele CA1131641.
Genomic context (GRCh38, chr1:154,601,874, plus strand): 5'-CAAACCTGGGTCTGAGTTTGGGGATCCTTGGCTATGACTGTCTGGTCTTACCACTCCGCT[G>A]TGCTGGTTCCAAGCCTGAGCTGAGACTGCAATAAAAGGCTCAAGAAGATCTTCTGAGACA-3'
Protein context (NP_001102.3, residues 246-266): IAVSAQAWNQ[His256=]SGVVRPDSHS

ClinVar aggregate classification (germline): Likely benign. Review status: criteria provided, multiple submitters, no conflicts (2 of 4 stars). 2 submissions from 2 submitters: Likely benign (2). Last evaluated 2026-06-01.

Conditions:
Aicardi-Goutieres syndrome 6 (AGS6). Identifiers: Orphanet 51, MedGen C3539013, MONDO:0014007, OMIM 615010.
Symmetrical dyschromatosis of extremities (DSH). Also called: RETICULATE ACROPIGMENTATION OF DOHI; SYMMETRIC DYSCHROMATOSIS OF THE EXTREMITIES; DYSCHROMATOSIS SYMMETRICA HEREDITARIA 1; Dyschromatosis symmetrica hereditaria. Identifiers: Orphanet 41, MedGen C0406775, MONDO:0007483, OMIM 127400.

Allele frequency attached by ClinVar (database versions not stated): gnomAD exomes 0.00001; ExAC 0.00002; gnomAD 0.00005; TOPMed 0.00008.
gnomAD v4.1: 18 of 1,614,126 alleles (0.0011%); highest among the groups gnomAD compares: African/African-American, 0.021%; no homozygotes.

Submissions (2):

CeGaT Center for Human Genetics Tuebingen
Classification: Likely benign. Last evaluated: 2026-06-01. Review status: criteria provided, single submitter. Criteria: CeGaT Center For Human Genetics Tuebingen Variant Classification Criteria Version 2. Collection method: clinical testing. Allele origin: germline. Affected: yes. Observed: 1 variant allele.
Comment: ADAR: BP4, BP7

Labcorp Genetics (formerly Invitae), Labcorp
Classification: Likely benign for Aicardi-Goutieres syndrome 6; Symmetrical dyschromatosis of extremities. Last evaluated: 2023-07-26. Review status: criteria provided, single submitter. Criteria: Invitae Variant Classification Sherloc (09022015). Collection method: clinical testing. Allele origin: germline.